The following is an entry in ClinVar:

NM_014314.4(RIGI):c.1863G>T (p.Glu621Asp)

Gene: RIGI (RNA sensor RIG-I; minus strand). Cytogenetic location: 9p21.1.
Variant type: single nucleotide variant.
Coding change: c.1863G>T on transcript NM_014314.4 (MANE Select); coding-DNA position 1863, G replaced by T.
Protein change: p.Glu621Asp; replaces glutamic acid 621 with aspartic acid.
Molecular consequence: missense variant.
Genome position (GRCh38, 1-based): chr9:32,477,043, C>A on the plus strand (G>T on the coding strand, the complement: RIGI is on the minus strand). VCF-style: chr9-32477043-C-A. GRCh37 (hg19) VCF-style: chr9-32477041-C-A.
Other names: short protein forms E621D.
Identifiers: ClinVar variation 931785 (VCV000931785.3), dbSNP rs145874548, ClinGen allele CA373148914.

ClinVar aggregate classification (germline): Uncertain significance (1 of 4 stars; one submission).

Conditions:
Singleton-Merten syndrome 2 (SGMRT2). Identifiers: Orphanet 85191, MedGen C4225380, MONDO:0014575, OMIM 616298.

Submission:

Centre for Mendelian Genomics, University Medical Centre Ljubljana
Classification: Uncertain significance for Singleton-Merten syndrome 2. Last evaluated: 2018-10-01. Review status: criteria provided, single submitter. Criteria: ACMG Guidelines, 2015. Collection method: clinical testing. Allele origin: unknown. Affected: yes.
Comment: This variant was classified as: Uncertain significance. The available evidence on this variant's pathogenicity is insufficient or conflicting. The following ACMG criteria were applied in classifying this variant: PM2.